The following is an entry in ClinVar:

ClinVar aggregate classification (germline): Uncertain significance. Review status: criteria provided, multiple submitters, no conflicts (2 of 4 stars). 2 submissions from 2 submitters: Uncertain significance (2). Last evaluated 2024-11-24.

Conditions:
Inborn genetic diseases. Identifiers: MedGen C0950123, MeSH D030342.

Allele frequency attached by ClinVar (database versions not stated): ExAC 0.00001; gnomAD exomes 0.00003; 1000 Genomes Project 30x 0.00016; gnomAD 0.00016 and 0.00018; 1000 Genomes Project 0.00020; TOPMed 0.00042.
gnomAD v4.1: 49 of 1,613,704 alleles (0.003%); highest among the groups gnomAD compares: Admixed American, 0.06%; no homozygotes.

Submissions (2):

Ambry Genetics
Classification: Uncertain significance for Inborn genetic diseases. Last evaluated: 2024-11-24. Review status: criteria provided, single submitter. Criteria: Ambry Variant Classification Scheme 2023. Collection method: clinical testing. Allele origin: germline.

Labcorp Genetics (formerly Invitae), Labcorp
Classification: Uncertain significance. Last evaluated: 2022-10-17. Review status: criteria provided, single submitter. Criteria: Invitae Variant Classification Sherloc (09022015). Collection method: clinical testing. Allele origin: germline.
Comment: This sequence change replaces isoleucine, which is neutral and non-polar, with phenylalanine, which is neutral and non-polar, at codon 323 of the SLC25A12 protein (p.Ile323Phe). This variant is present in population databases (rs550152089, gnomAD 0.01%). This variant has not been reported in the literature in individuals affected with SLC25A12-related conditions. ClinVar contains an entry for this variant (Variation ID: 639429). Advanced modeling of protein sequence and biophysical properties (such as structural, functional, and spatial information, amino acid conservation, physicochemical variation, residue mobility, and thermodynamic stability) performed at Invitae indicates that this missense variant is not expected to disrupt SLC25A12 protein function. In summary, the available evidence is currently insufficient to determine the role of this variant in disease. Therefore, it has been classified as a Variant of Uncertain Significance.

NM_003705.5(SLC25A12):c.967A>T (p.Ile323Phe)

Gene: SLC25A12 (solute carrier family 25 member 12; minus strand). Cytogenetic location: 2q31.1.
Variant type: single nucleotide variant.
Coding change: c.967A>T on transcript NM_003705.5 (MANE Select); coding-DNA position 967, A replaced by T.
Protein change: p.Ile323Phe; replaces isoleucine 323 with phenylalanine.
Molecular consequence: missense variant. On other transcripts: non-coding transcript variant (1).
Genome position (GRCh38, 1-based): chr2:171,815,166, T>A on the plus strand (A>T on the coding strand, the complement: SLC25A12 is on the minus strand). VCF-style: chr2-171815166-T-A. GRCh37 (hg19) VCF-style: chr2-172671676-T-A.
Other names: c.967A>T (NM_003705.3); short protein forms I323F.
Identifiers: ClinVar variation 639429 (VCV000639429.8), dbSNP rs550152089, ClinGen allele CA1966248.